The following is an entry in ClinVar:

NM_052989.3(IFT122):c.3506G>C (p.Ser1169Thr)

Gene: IFT122 (intraflagellar transport 122; plus strand). Cytogenetic location: 3q22.1.
Variant type: single nucleotide variant.
Coding change: c.3506G>C on transcript NM_052989.3 (MANE Select); coding-DNA position 3506, G replaced by C.
Protein change: p.Ser1169Thr; replaces serine 1169 with threonine.
Molecular consequence: missense variant.
Genome position (GRCh38, 1-based): chr3:129,519,602, G>C. VCF-style: chr3-129519602-G-C. GRCh37 (hg19) VCF-style: chr3-129238445-G-C.
Other names: c.3485G>C, p.Ser1162Thr (NM_001280541.2); c.3056G>C, p.Ser1019Thr (NM_001280545.2); c.2879G>C, p.Ser960Thr (NM_001280546.2); c.3509G>C, p.Ser1170Thr (NM_001410808.1); c.3452G>C, p.Ser1151Thr (NM_001410809.1); c.3332G>C, p.Ser1111Thr (NM_001410810.1); c.3278G>C, p.Ser1093Thr (NM_001410811.1); c.3275G>C, p.Ser1092Thr (NM_001410813.1); and 5 more; short protein forms S1059T, S1111T, S1019T, S1058T, S1092T, S1110T, S1162T, S1041T.
Identifiers: ClinVar variation 1944217 (VCV001944217.6), dbSNP rs372561450, ClinGen allele CA82640085.

ClinVar aggregate classification (germline): Uncertain significance. Review status: criteria provided, multiple submitters, no conflicts (2 of 4 stars). 2 submissions from 2 submitters: Uncertain significance (2). Last evaluated 2024-06-17.

Conditions:
Cranioectodermal dysplasia 1 (CED1). Also called: LEVIN SYNDROME I. Identifiers: Orphanet 1515, MedGen C0432235, MONDO:0021093, OMIM 218330.

Allele frequency attached by ClinVar (database versions not stated): ESP Exome Variant Server 0.00008.
gnomAD v4.1: 1 of 1,613,572 alleles (0.000062%); highest among the groups gnomAD compares: Non-Finnish European, 0.000085%; no homozygotes.

Submissions (2):

Fulgent Genetics
Classification: Uncertain significance for Cranioectodermal dysplasia 1. Last evaluated: 2024-06-17. Review status: criteria provided, single submitter. Criteria: ACMG Guidelines, 2015. Collection method: clinical testing. Allele origin: germline.

Labcorp Genetics (formerly Invitae), Labcorp
Classification: Uncertain significance for Cranioectodermal dysplasia 1. Last evaluated: 2022-08-09. Review status: criteria provided, single submitter. Criteria: Invitae Variant Classification Sherloc (09022015). Collection method: clinical testing. Allele origin: germline.
Comment: This sequence change replaces serine, which is neutral and polar, with threonine, which is neutral and polar, at codon 1220 of the IFT122 protein (p.Ser1220Thr). This variant is present in population databases (rs372561450, gnomAD 0.007%). This variant has not been reported in the literature in individuals affected with IFT122-related conditions. Algorithms developed to predict the effect of missense changes on protein structure and function (SIFT, PolyPhen-2, Align-GVGD) all suggest that this variant is likely to be tolerated. In summary, the available evidence is currently insufficient to determine the role of this variant in disease. Therefore, it has been classified as a Variant of Uncertain Significance.